The following is an entry in ClinVar:

ClinVar aggregate classification (germline): Pathogenic (1 of 4 stars; one submission).

Conditions:
Autosomal dominant epilepsy with auditory features. Identifiers: Orphanet 101046, MedGen C1838062, MONDO:0010898.

Submission:

Labcorp Genetics (formerly Invitae), Labcorp
Classification: Pathogenic for Autosomal dominant epilepsy with auditory features. Last evaluated: 2022-01-16. Review status: criteria provided, single submitter. Criteria: Invitae Variant Classification Sherloc (09022015). Collection method: clinical testing. Allele origin: germline.
Comment: Experimental studies and prediction algorithms are not available or were not evaluated, and the functional significance of this variant is currently unknown. For these reasons, this variant has been classified as Pathogenic. This variant disrupts a region of the LGI1 protein in which other variant(s) (p.Ile547Asnfs*8 ) have been determined to be pathogenic (PMID: 11810107, 15857855, 18711109). This suggests that this is a clinically significant region of the protein, and that variants that disrupt it are likely to be disease-causing. This variant has not been reported in the literature in individuals affected with LGI1-related conditions. This variant is not present in population databases (gnomAD no frequency). This sequence change creates a premature translational stop signal (p.Asn534*) in the LGI1 gene. While this is not anticipated to result in nonsense mediated decay, it is expected to disrupt the last 24 amino acid(s) of the LGI1 protein.

Literature cited by the submitters: PubMed 11810107; PubMed 15857855; PubMed 18711109.

NM_005097.4(LGI1):c.1599dup (p.Asn534Ter)

Gene: LGI1 (leucine rich glioma inactivated 1; plus strand). Cytogenetic location: 10q23.33.
Variant type: Duplication.
Coding change: c.1599dup on transcript NM_005097.4 (MANE Select); coding-DNA position 1599, one base duplicated (T; older notation c.1599dupT).
Protein change: p.Asn534Ter; replaces asparagine 534 with a stop codon.
Molecular consequence: nonsense. On other transcripts: non-coding transcript variant (1), intron variant (1).
Genome position (GRCh38, 1-based): chr10:93,797,728, T duplicated. VCF-style (leftmost placement, unchanged base first): chr10-93797727-G-GT. GRCh37 (hg19) VCF-style: chr10-95557484-G-GT.
Other names: c.1455dup, p.Asn486Ter (NM_001308276.2); c.839-21dup (NM_001308275.2); short protein forms N486*, N534*.
Identifiers: ClinVar variation 1410458 (VCV001410458.6), dbSNP rs2134027169, ClinGen allele CA2573145865.